The following is an entry in ClinVar:

ClinVar aggregate classification (germline): Uncertain significance. Review status: criteria provided, multiple submitters, no conflicts (2 of 4 stars). 4 submissions from 4 submitters: Uncertain significance (4). Last evaluated 2025-12-30.

Conditions:
Inborn genetic diseases. Identifiers: MedGen C0950123, MeSH D030342.
NDUFS2-related disorder. Also called: NDUFS2-related condition.
Mitochondrial complex I deficiency, nuclear type 6. Also called: Mitochondrial complex 1 deficiency, nuclear type 6. Identifiers: MedGen C4748759, MONDO:0032611, OMIM 618228.

Allele frequency attached by ClinVar (database versions not stated): TOPMed below 0.00001; gnomAD exomes 0.00001; ExAC 0.00002; gnomAD 0.00002.
gnomAD v4.1: 16 of 1,613,884 alleles (0.00099%); highest among the groups gnomAD compares: South Asian, 0.014%; 1 homozygote.

Submissions (4):

PreventionGenetics, part of Exact Sciences
Classification: Uncertain significance for NDUFS2-related condition. Last evaluated: 2025-12-30. Review status: criteria provided, single submitter. Criteria: ACMG Guidelines, 2015. Collection method: clinical testing. Allele origin: germline.
Comment: The NDUFS2 c.845A>C variant is predicted to result in the amino acid substitution p.Glu282Ala. To our knowledge, this variant has not been reported in the literature. This variant is reported in 0.0098% of alleles in individuals of South Asian descent in gnomAD. At this time, the clinical significance of this variant is uncertain due to the absence of conclusive functional and genetic evidence.

Genome-Nilou Lab
Classification: Uncertain significance for Mitochondrial complex I deficiency, nuclear type 6. Last evaluated: 2023-04-11. Review status: criteria provided, single submitter. Criteria: ACMG Guidelines, 2015. Collection method: clinical testing. Allele origin: germline. Affected: no.

Ambry Genetics
Classification: Uncertain significance for Inborn genetic diseases. Last evaluated: 2022-08-01. Review status: criteria provided, single submitter. Criteria: Ambry Variant Classification Scheme 2023. Collection method: clinical testing. Allele origin: germline.

Labcorp Genetics (formerly Invitae), Labcorp
Classification: Uncertain significance. Last evaluated: 2022-01-27. Review status: criteria provided, single submitter. Criteria: Invitae Variant Classification Sherloc (09022015). Collection method: clinical testing. Allele origin: germline.
Comment: In summary, the available evidence is currently insufficient to determine the role of this variant in disease. Therefore, it has been classified as a Variant of Uncertain Significance. Algorithms developed to predict the effect of missense changes on protein structure and function (SIFT, PolyPhen-2, Align-GVGD) all suggest that this variant is likely to be tolerated. This variant has not been reported in the literature in individuals affected with NDUFS2-related conditions. This variant is present in population databases (rs777685133, gnomAD 0.01%), including at least one homozygous and/or hemizygous individual. This sequence change replaces glutamic acid, which is acidic and polar, with alanine, which is neutral and non-polar, at codon 282 of the NDUFS2 protein (p.Glu282Ala).

NM_001377299.1(NDUFS2):c.845A>C (p.Glu282Ala)

Gene: NDUFS2 (NADH:ubiquinone oxidoreductase core subunit S2; plus strand). Cytogenetic location: 1q23.3.
Variant type: single nucleotide variant.
Coding change: c.845A>C on transcript NM_001377299.1 (MANE Select); coding-DNA position 845, A replaced by C.
Protein change: p.Glu282Ala; replaces glutamic acid 282 with alanine.
Molecular consequence: missense variant. On other transcripts: non-coding transcript variant (1).
Genome position (GRCh38, 1-based): chr1:161,210,368, A>C. VCF-style: chr1-161210368-A-C. GRCh37 (hg19) VCF-style: chr1-161180158-A-C.
Other names: c.845A>C, p.Glu282Ala (NM_001166159.2, NM_001377298.1, NM_001377300.1 and 3 more transcripts); c.767A>C, p.Glu256Ala (NM_001410889.1); short protein forms E256A, E282A.
Identifiers: ClinVar variation 1967017 (VCV001967017.8), dbSNP rs777685133, ClinGen allele CA1208710.